The following is an entry in ClinVar:

NM_020117.11(LARS1):c.125+5G>A

Genes: LARS1 (leucyl-tRNA synthetase 1; minus strand), LOC129389388 (MPRA-validated peak5521 silencer; plus strand). Cytogenetic location: 5q32.
Variant type: single nucleotide variant.
Coding change: c.125+5G>A on transcript NM_020117.11 (MANE Select); 5 bases into the intron after coding-DNA position 125, G replaced by A.
Molecular consequence: intron variant.
Genome position (GRCh38, 1-based): chr5:146,177,542, C>T on the plus strand (G>A on the coding strand, the complement: LARS1 is on the minus strand). VCF-style: chr5-146177542-C-T. GRCh37 (hg19) VCF-style: chr5-145557105-C-T.
Other names: c.-37-4768G>A (NM_001317965.2); c.125+5G>A (NM_016460.4, NM_001317964.2).
Identifiers: ClinVar variation 4813894 (VCV004813894.1).

ClinVar aggregate classification (germline): Uncertain significance (1 of 4 stars; one submission).

Submission:

GeneDx
Classification: Uncertain significance. Last evaluated: 2025-09-19. Review status: criteria provided, single submitter. Criteria: GeneDx Variant Classification Process June 2021. Collection method: clinical testing. Allele origin: germline. Affected: yes.
Comment: Not observed at significant frequency in large population cohorts (gnomAD); In silico analysis supports a deleterious effect on splicing; Has not been previously published as pathogenic or benign to our knowledge